The following is an entry in ClinVar:

ClinVar aggregate classification (germline): Uncertain significance (1 of 4 stars; one submission).

Conditions:
Neurofibromatosis, type 1 (NF1). Also called: Neurofibromatosis, type I; VON RECKLINGHAUSEN DISEASE; NEUROFIBROMATOSIS, TYPE I, SOMATIC; Peripheral type neurofibromatosis. Identifiers: Orphanet 636, MedGen C0027831, MONDO:0018975, OMIM 162200. Disease mechanism: loss of function.

Submission:

Labcorp Genetics (formerly Invitae), Labcorp
Classification: Uncertain significance for Neurofibromatosis, type 1. Last evaluated: 2025-11-11. Review status: criteria provided, single submitter. Criteria: Invitae Variant Classification Sherloc (09022015). Collection method: clinical testing. Allele origin: germline.
Comment: This sequence change replaces phenylalanine, which is neutral and non-polar, with serine, which is neutral and polar, at codon 1446 of the NF1 protein (p.Phe1446Ser). This variant is not present in population databases (gnomAD no frequency). This variant has not been reported in the literature in individuals affected with NF1-related conditions. ClinVar contains an entry for this variant (Variation ID: 2919117). Invitae Evidence Modeling of protein sequence and biophysical properties (such as structural, functional, and spatial information, amino acid conservation, physicochemical variation, residue mobility, and thermodynamic stability) indicates that this missense variant is expected to disrupt NF1 protein function with a positive predictive value of 95%. In summary, the available evidence is currently insufficient to determine the role of this variant in disease. Therefore, it has been classified as a Variant of Uncertain Significance.

NM_001042492.3(NF1):c.4400T>C (p.Phe1467Ser)

Gene: NF1 (neurofibromin 1; plus strand). Cytogenetic location: 17q11.2.
Variant type: single nucleotide variant.
Coding change: c.4400T>C on transcript NM_001042492.3 (MANE Select); coding-DNA position 4400, T replaced by C.
Protein change: p.Phe1467Ser; replaces phenylalanine 1467 with serine.
Molecular consequence: missense variant.
Genome position (GRCh38, 1-based): chr17:31,259,099, T>C. VCF-style: chr17-31259099-T-C. GRCh37 (hg19) VCF-style: chr17-29586117-T-C.
Other names: c.4337T>C, p.Phe1446Ser (NM_000267.4); short protein forms F1467S, F1446S.
Identifiers: ClinVar variation 2919117 (VCV002919117.3), dbSNP rs1555618685, ClinGen allele CA398998913.